The following is an entry in ClinVar:

ClinVar aggregate classification (germline): Uncertain significance (1 of 4 stars; one submission).

Submission:

Labcorp Genetics (formerly Invitae), Labcorp
Classification: Uncertain significance. Last evaluated: 2023-11-12. Review status: criteria provided, single submitter. Criteria: Invitae Variant Classification Sherloc (09022015). Collection method: clinical testing. Allele origin: germline.
Comment: This sequence change replaces glutamine, which is neutral and polar, with proline, which is neutral and non-polar, at codon 403 of the ARID1B protein (p.Gln403Pro). This variant is present in population databases (no rsID available, gnomAD 0.004%). This variant has not been reported in the literature in individuals affected with ARID1B-related conditions. An algorithm developed to predict the effect of missense changes on protein structure and function (PolyPhen-2) suggests that this variant is likely to be tolerated. In summary, the available evidence is currently insufficient to determine the role of this variant in disease. Therefore, it has been classified as a Variant of Uncertain Significance.

NM_001374828.1(ARID1B):c.1457_1458delinsCC (p.Gln486Pro)

Gene: ARID1B (AT-rich interaction domain 1B; plus strand). Cytogenetic location: 6q25.3.
Variant type: Indel.
Coding change: c.1457_1458delinsCC on transcript NM_001374828.1 (MANE Select); coding-DNA positions 1457 to 1458, AG replaced by CC.
Protein change: p.Gln486Pro; replaces glutamine 486 with proline.
Molecular consequence: missense variant.
Genome position (GRCh38, 1-based): chr6:156,779,137-156,779,138, AG replaced by CC. VCF-style: chr6-156779137-AG-CC. GRCh37 (hg19) VCF-style: chr6-157100271-AG-CC.
Other names: c.1208_1209delAGinsCC, p.Gln403Pro (NM_001346813.1, NM_020732.3); c.1457_1458delinsCC, p.Gln486Pro (NM_001371656.1, NM_001374820.1, NM_017519.3); c.1034_1035delAGinsCC, p.Gln345Pro (NM_175863.2); short protein forms Q345P, Q486P, Q403P.
Identifiers: ClinVar variation 2727461 (VCV002727461.3), dbSNP rs2546840506, ClinGen allele CA2697553800.